The following is an entry in ClinVar:

ClinVar aggregate classification (germline): Uncertain significance (1 of 4 stars; one submission).

Conditions:
Hereditary cancer-predisposing syndrome. Also called: Neoplastic Syndromes, Hereditary; Tumor predisposition; Hereditary Cancer Syndrome; Hereditary neoplastic syndrome. Identifiers: Orphanet 140162, MedGen C0027672, MeSH D009386, MONDO:0015356.

Submission:

Ambry Genetics
Classification: Uncertain significance for Hereditary cancer-predisposing syndrome. Last evaluated: 2024-07-18. Review status: criteria provided, single submitter. Criteria: Ambry Variant Classification Scheme 2023. Collection method: clinical testing. Allele origin: germline.
Comment: The p.N448K variant (also known as c.1344C>A), located in coding exon 7 of the RET gene, results from a C to A substitution at nucleotide position 1344. The asparagine at codon 448 is replaced by lysine, an amino acid with similar properties. This amino acid position is conserved. In addition, this alteration is predicted to be tolerated by in silico analysis. Based on the available evidence, the clinical significance of this variant remains unclear.

NM_020975.6(RET):c.1344C>A (p.Asn448Lys)

Gene: RET (ret proto-oncogene; plus strand). Cytogenetic location: 10q11.21.
Variant type: single nucleotide variant.
Coding change: c.1344C>A on transcript NM_020975.6 (MANE Select); coding-DNA position 1344, C replaced by A.
Protein change: p.Asn448Lys; replaces asparagine 448 with lysine.
Molecular consequence: missense variant. On other transcripts: intron variant (15).
Genome position (GRCh38, 1-based): chr10:43,111,287, C>A. VCF-style: chr10-43111287-C-A. GRCh37 (hg19) VCF-style: chr10-43606735-C-A.
Other names: c.582C>A, p.Asn194Lys (NM_001355216.2); c.1344C>A, p.Asn448Lys (NM_001406743.1, NM_001406744.1, NM_001406759.1 and 4 more transcripts); c.1215C>A, p.Asn405Lys (NM_001406761.1, NM_001406762.1, NM_001406764.1 and 1 more transcripts); c.1056C>A, p.Asn352Lys (NM_001406766.1, NM_001406767.1, NM_001406770.1); c.948C>A, p.Asn316Lys (NM_001406769.1, NM_001406772.1); c.906C>A, p.Asn302Lys (NM_001406771.1, NM_001406773.1); c.819C>A, p.Asn273Lys (NM_001406774.1); c.618C>A, p.Asn206Lys (NM_001406775.1, NM_001406776.1, NM_001406777.1 and 1 more transcripts); and 5 more; short protein forms N118K, N302K, N194K, N206K, N352K, N448K, N273K, N316K.
Identifiers: ClinVar variation 3432234 (VCV003432234.1).